The following is an entry in ClinVar:

NM_000430.4(PAFAH1B1):c.1072G>A (p.Asp358Asn)

Gene: PAFAH1B1 (platelet activating factor acetylhydrolase 1b regulatory subunit 1; plus strand). Cytogenetic location: 17p13.3.
Variant type: single nucleotide variant.
Coding change: c.1072G>A on transcript NM_000430.4 (MANE Select); coding-DNA position 1072, G replaced by A.
Protein change: p.Asp358Asn; replaces aspartic acid 358 with asparagine.
Molecular consequence: missense variant.
Genome position (GRCh38, 1-based): chr17:2,680,233, G>A. VCF-style: chr17-2680233-G-A. GRCh37 (hg19) VCF-style: chr17-2583527-G-A.
Other names: short protein forms D358N.
Identifiers: ClinVar variation 1369780 (VCV001369780.6), dbSNP rs2151673924, ClinGen allele CA397642518.

ClinVar aggregate classification (germline): Likely pathogenic (1 of 4 stars; one submission).

Submission:

Labcorp Genetics (formerly Invitae), Labcorp
Classification: Likely pathogenic. Last evaluated: 2024-11-05. Review status: criteria provided, single submitter. Criteria: Invitae Variant Classification Sherloc (09022015). Collection method: clinical testing. Allele origin: germline.
Comment: This sequence change replaces aspartic acid, which is acidic and polar, with asparagine, which is neutral and polar, at codon 358 of the PAFAH1B1 protein (p.Asp358Asn). This variant is not present in population databases (gnomAD no frequency). This missense change has been observed in individual(s) with clinical features of PAFAH1B1-related conditions (internal data). In at least one individual the variant was observed to be de novo. ClinVar contains an entry for this variant (Variation ID: 1369780). An algorithm developed to predict the effect of missense changes on protein structure and function (PolyPhen-2) suggests that this variant is likely to be disruptive. In summary, the currently available evidence indicates that the variant is pathogenic, but additional data are needed to prove that conclusively. Therefore, this variant has been classified as Likely Pathogenic.